The following is an entry in ClinVar:

ClinVar aggregate classification (germline): Conflicting classifications of pathogenicity. Review status: criteria provided, conflicting classifications (1 of 4 stars). 2 submissions from 2 submitters: Uncertain significance (1); Likely benign (1). Last evaluated 2025-09-25.

Conditions:
Hereditary cancer-predisposing syndrome. Also called: Neoplastic Syndromes, Hereditary; Tumor predisposition; Hereditary Cancer Syndrome; Hereditary neoplastic syndrome. Identifiers: Orphanet 140162, MedGen C0027672, MeSH D009386, MONDO:0015356.
Ataxia-telangiectasia syndrome (AT). Also called: Ataxia telangiectasia (A-T); Ataxia-telangiectasia, complementation group D; AT, COMPLEMENTATION GROUP C; ATAXIA-TELANGIECTASIA, COMPLEMENTATION GROUP A; Ataxia-telangiectasia, complementation group E; ATAXIA-TELANGIECTASIA, FRESNO VARIANT. Identifiers: Orphanet 100, MedGen C0004135, MONDO:0008840, OMIM 208900.

Submissions (2):

Ambry Genetics
Classification: Likely benign for Hereditary cancer-predisposing syndrome. Last evaluated: 2025-09-25. Review status: criteria provided, single submitter. Criteria: Ambry Variant Classification Scheme 2023. Collection method: clinical testing. Allele origin: germline.

Labcorp Genetics (formerly Invitae), Labcorp
Classification: Uncertain significance for Ataxia-telangiectasia syndrome. Last evaluated: 2018-06-24. Review status: criteria provided, single submitter. Criteria: Invitae Variant Classification Sherloc (09022015). Collection method: clinical testing. Allele origin: germline.
Comment: In summary, the available evidence is currently insufficient to determine the role of this variant in disease. Therefore, it has been classified as a Variant of Uncertain Significance. Algorithms developed to predict the effect of missense changes on protein structure and function output the following: SIFT: "Tolerated"; PolyPhen-2: "Benign"; Align-GVGD: "Class C0". The valine amino acid residue is found in multiple mammalian species, suggesting that this missense change does not adversely affect protein function. These predictions have not been confirmed by published functional studies and their clinical significance is uncertain. This variant has not been reported in the literature in individuals with ATM-related disease. This variant is not present in population databases (ExAC no frequency). This sequence change replaces phenylalanine with valine at codon 1896 of the ATM protein (p.Phe1896Val). The phenylalanine residue is weakly conserved and there is a small physicochemical difference between phenylalanine and valine.

Literature cited by the submitters: PubMed 40580951 (cited by Ambry Genetics).

NM_000051.4(ATM):c.5686T>G (p.Phe1896Val)

Gene: ATM (ATM serine/threonine kinase; plus strand). Cytogenetic location: 11q22.3.
Variant type: single nucleotide variant.
Coding change: c.5686T>G on transcript NM_000051.4 (MANE Select); coding-DNA position 5686, T replaced by G.
Protein change: p.Phe1896Val; replaces phenylalanine 1896 with valine.
Molecular consequence: missense variant.
Genome position (GRCh38, 1-based): chr11:108,307,908, T>G. VCF-style: chr11-108307908-T-G. GRCh37 (hg19) VCF-style: chr11-108178635-T-G.
Other names: c.5686T>G, p.Phe1896Val (NM_001351834.2); short protein forms F1896V.
Identifiers: ClinVar variation 567885 (VCV000567885.9), dbSNP rs1565485959, ClinGen allele CA382547762.